The following is an entry in ClinVar:

NM_002133.3(HMOX1):c.23+6C>T

Genes: HMOX1 (heme oxygenase 1; plus strand), LOC130067299 (ATAC-STARR-seq lymphoblastoid silent region 13656; plus strand). Cytogenetic location: 22q12.3.
Variant type: single nucleotide variant.
Coding change: c.23+6C>T on transcript NM_002133.3 (MANE Select); 6 bases into the intron after coding-DNA position 23, C replaced by T.
Molecular consequence: intron variant.
Genome position (GRCh38, 1-based): chr22:35,381,202, C>T. VCF-style: chr22-35381202-C-T. GRCh37 (hg19) VCF-style: chr22-35777195-C-T.
Identifiers: ClinVar variation 1481127 (VCV001481127.3), dbSNP rs372733779, ClinGen allele CA10204588.

ClinVar aggregate classification (germline): Uncertain significance (1 of 4 stars; one submission).

Allele frequency attached by ClinVar (database versions not stated): ESP Exome Variant Server 0.00018.
gnomAD v4.1: 58 of 1,546,688 alleles (0.0037%); highest among the groups gnomAD compares: African/African-American, 0.062%; 1 homozygote.

Submission:

Labcorp Genetics (formerly Invitae), Labcorp
Classification: Uncertain significance. Last evaluated: 2022-08-16. Review status: criteria provided, single submitter. Criteria: Invitae Variant Classification Sherloc (09022015). Collection method: clinical testing. Allele origin: germline.
Comment: This sequence change falls in intron 1 of the HMOX1 gene. It does not directly change the encoded amino acid sequence of the HMOX1 protein. It affects a nucleotide within the consensus splice site. The frequency data for this variant in the population databases is considered unreliable, as metrics indicate poor data quality at this position in the gnomAD database. This variant has not been reported in the literature in individuals affected with HMOX1-related conditions. ClinVar contains an entry for this variant (Variation ID: 1481127). Variants that disrupt the consensus splice site are a relatively common cause of aberrant splicing (PMID: 17576681, 9536098). Algorithms developed to predict the effect of sequence changes on RNA splicing suggest that this variant may disrupt the consensus splice site. In summary, the available evidence is currently insufficient to determine the role of this variant in disease. Therefore, it has been classified as a Variant of Uncertain Significance.

Literature cited by the submitters: PubMed 17576681; PubMed 9536098.